The following is an entry in ClinVar:

NM_000518.5(HBB):c.233_234del (p.His78fs)

Genes: HBB (hemoglobin subunit beta; minus strand), LOC106099062 (HBB recombination region; plus strand), LOC107133510 (origin of replication at HBB; plus strand). Cytogenetic location: 11p15.4.
Variant type: Deletion.
Coding change: c.233_234del on transcript NM_000518.5 (MANE Select); coding-DNA positions 233 to 234, 2 bases deleted (AC; older notation c.233_234delAC).
Protein change: p.His78fs; shifts the reading frame from histidine 78.
Molecular consequence: frameshift variant.
Genome position (GRCh38, 1-based): chr11:5,226,658-5,226,659, GT deleted on the plus strand (AC on the coding strand, the reverse complement: HBB is on the minus strand); deleting any 2 consecutive bases within chr11:5,226,658-5,226,660 gives the same sequence; the c. name uses the placement nearest the transcript's 3' end. VCF-style (leftmost placement, unchanged base first): chr11-5226657-GGT-G. GRCh37 (hg19) VCF-style: chr11-5247887-GGT-G.
Other names: c.233_234delAC (NM_000518.5); short protein forms H78fs.
Identifiers: ClinVar variation 1065151 (VCV001065151.4), dbSNP rs2133588176, ClinGen allele CA923726360.

ClinVar aggregate classification (germline): Likely pathogenic. Review status: criteria provided, multiple submitters, no conflicts (2 of 4 stars). 2 submissions from 2 submitters: Likely pathogenic (2). Last evaluated 2021-04-04.

Conditions:
beta Thalassemia (BTHAL). Also called: Cooley's anemia; Erythroblastic anemia; Mediterranean anemia. Identifiers: Orphanet 848, MedGen C0005283, MONDO:0019402. Disease mechanism: loss of function.
Beta-thalassemia HBB/LCRB. Identifiers: MedGen CN322236, MONDO:0013517, OMIM 613985.

Submissions (2):

Women's Health and Genetics/Laboratory Corporation of America, LabCorp
Classification: Likely pathogenic for beta Thalassemia. Last evaluated: 2021-04-04. Review status: criteria provided, single submitter. Criteria: LabCorp Variant Classification Summary - May 2015. Collection method: clinical testing. Allele origin: germline.
Comment: Variant summary: HBB c.233_234delAC (p.His78ProfsX13) results in a premature termination codon, predicted to cause a truncation of the encoded protein or absence of the protein due to nonsense mediated decay, which are commonly known mechanisms for disease. Truncations downstream of this position have been classified as pathogenic by our laboratory. The variant was absent in 251428 control chromosomes. To our knowledge, no occurrence of c.233_234delAC in individuals affected with Beta Thalassemia and no experimental evidence demonstrating its impact on protein function have been reported. No clinical diagnostic laboratories have submitted clinical-significance assessments for this variant to ClinVar after 2014. Based on the evidence outlined above, the variant was classified as likely pathogenic.

Genetics and Molecular Pathology, SA Pathology
Classification: Likely pathogenic for Beta-thalassemia HBB/LCRB. Last evaluated: 2020-07-20. Review status: criteria provided, single submitter. Criteria: ACMG Guidelines, 2015. Collection method: clinical testing. Allele origin: germline. Inheritance: Autosomal recessive inheritance. Affected: yes.